The following is an entry in ClinVar:

NM_007194.4(CHEK2):c.252del (p.Glu84fs)

Gene: CHEK2 (checkpoint kinase 2; minus strand). Cytogenetic location: 22q12.1.
Variant type: Deletion.
Coding change: c.252del on transcript NM_007194.4 (MANE Select); coding-DNA position 252, one base deleted (A; older notation c.252delA).
Protein change: p.Glu84fs; shifts the reading frame from glutamic acid 84.
Molecular consequence: frameshift variant.
Genome position (GRCh38, 1-based): chr22:28,734,470, T deleted on the plus strand (A on the coding strand, the reverse complement: CHEK2 is on the minus strand); the first of 2 consecutive T bases (chr22:28,734,470-28,734,471); deleting either gives the same sequence. VCF-style (leftmost placement, unchanged base first): chr22-28734469-GT-G. GRCh37 (hg19) VCF-style: chr22-29130457-GT-G.
Other names: c.251delA, p.Glu84Aspfs (NM_001005735.3, NM_001349956.3, NM_145862.3); c.-527delA (NM_001257387.3); short protein forms E84fs.
Identifiers: ClinVar variation 659512 (VCV000659512.7), dbSNP rs1601851875, ClinGen allele CA915952748.

ClinVar aggregate classification (germline): Pathogenic (1 of 4 stars; one submission).

Conditions:
Familial cancer of breast. Also called: Hereditary breast cancer; hereditary breast carcinoma; BREAST CANCER, FAMILIAL. Identifiers: Orphanet 227535, MedGen C0346153, MONDO:0016419, OMIM 114480. Disease mechanism: loss of function.

Submission:

Labcorp Genetics (formerly Invitae), Labcorp
Classification: Pathogenic for Familial cancer of breast. Last evaluated: 2018-12-21. Review status: criteria provided, single submitter. Criteria: Invitae Variant Classification Sherloc (09022015). Collection method: clinical testing. Allele origin: germline.
Comment: For these reasons, this variant has been classified as Pathogenic. Loss-of-function variants in CHEK2 are known to be pathogenic (PMID: 21876083, 24713400). This variant has not been reported in the literature in individuals with CHEK2-related conditions. This variant is not present in population databases (ExAC no frequency). This sequence change creates a premature translational stop signal (p.Glu84Aspfs*26) in the CHEK2 gene. It is expected to result in an absent or disrupted protein product.

Literature cited by the submitters: PubMed 21876083; PubMed 24713400.